The following is an entry in ClinVar:

ClinVar aggregate classification (germline): Uncertain significance. Review status: criteria provided, multiple submitters, no conflicts (2 of 4 stars). 5 submissions from 5 submitters: Uncertain significance (5). Last evaluated 2024-12-26.

Conditions:
Lynch syndrome. Identifiers: Orphanet 144, MedGen C4552100, MONDO:0005835. Disease mechanism: loss of function.
Hereditary nonpolyposis colorectal neoplasms. Identifiers: MedGen C0009405, MeSH D003123.
Hereditary cancer-predisposing syndrome. Also called: Neoplastic Syndromes, Hereditary; Tumor predisposition; Hereditary Cancer Syndrome; Hereditary neoplastic syndrome. Identifiers: Orphanet 140162, MedGen C0027672, MeSH D009386, MONDO:0015356.

gnomAD v4.1: 1 of 1,614,196 alleles (0.000062%); highest among the groups gnomAD compares: Non-Finnish European, 0.000085%; no homozygotes.

Submissions (5):

Labcorp Genetics (formerly Invitae), Labcorp
Classification: Uncertain significance for Hereditary nonpolyposis colorectal neoplasms. Last evaluated: 2024-12-26. Review status: criteria provided, single submitter. Criteria: Invitae Variant Classification Sherloc (09022015). Collection method: clinical testing. Allele origin: germline.
Comment: This sequence change replaces cysteine, which is neutral and slightly polar, with glycine, which is neutral and non-polar, at codon 579 of the MSH6 protein (p.Cys579Gly). This variant is not present in population databases (gnomAD no frequency). This variant has not been reported in the literature in individuals affected with MSH6-related conditions. ClinVar contains an entry for this variant (Variation ID: 919395). Invitae Evidence Modeling of protein sequence and biophysical properties (such as structural, functional, and spatial information, amino acid conservation, physicochemical variation, residue mobility, and thermodynamic stability) indicates that this missense variant is not expected to disrupt MSH6 protein function with a negative predictive value of 95%. In summary, the available evidence is currently insufficient to determine the role of this variant in disease. Therefore, it has been classified as a Variant of Uncertain Significance.

Ambry Genetics
Classification: Uncertain significance for Hereditary cancer-predisposing syndrome. Last evaluated: 2024-11-26. Review status: criteria provided, single submitter. Criteria: Ambry Variant Classification Scheme 2023. Collection method: clinical testing. Allele origin: germline.
Comment: The p.C579G variant (also known as c.1735T>G), located in coding exon 4 of the MSH6 gene, results from a T to G substitution at nucleotide position 1735. The cysteine at codon 579 is replaced by glycine, an amino acid with highly dissimilar properties. This amino acid position is highly conserved in available vertebrate species. In addition, this alteration is predicted to be deleterious by in silico analysis. Since supporting evidence is limited at this time, the clinical significance of this alteration remains unclear.

Color Diagnostics, LLC DBA Color Health
Classification: Uncertain significance for Hereditary cancer-predisposing syndrome. Last evaluated: 2024-03-06. Review status: criteria provided, single submitter. Criteria: ACMG Guidelines, 2015. Collection method: clinical testing. Allele origin: germline.
Comment: This missense variant replaces cysteine with glycine at codon 579 of the MSH6 protein. Computational prediction suggests that this variant may have deleterious impact on protein structure and function (internally defined REVEL score threshold >= 0.7, PMID: 27666373). Splice site prediction tools suggest that this variant may not impact RNA splicing. To our knowledge, functional studies have not been performed for this variant. This variant has not been reported in individuals affected with hereditary cancer in the literature. This variant has not been identified in the general population by the Genome Aggregation Database (gnomAD). The available evidence is insufficient to determine the role of this variant in disease conclusively. Therefore, this variant is classified as a Variant of Uncertain Significance.

All of Us Research Program, National Institutes of Health
Classification: Uncertain significance for Lynch syndrome. Last evaluated: 2023-03-04. Review status: criteria provided, single submitter. Criteria: ACMG Guidelines, 2015. Collection method: clinical testing. Allele origin: germline. Inheritance: Autosomal dominant inheritance. Observed: 1 variant allele, 1 heterozygote.
Comment: This missense variant replaces cysteine with glycine at codon 579 of the MSH6 protein. Computational prediction suggests that this variant may have deleterious impact on protein structure and function (internally defined REVEL score threshold >= 0.7, PMID: 27666373). Splice site prediction tools suggest that this variant may not impact RNA splicing. To our knowledge, functional studies have not been performed for this variant. This variant has not been reported in individuals affected with hereditary cancer in the literature. This variant has not been identified in the general population by the Genome Aggregation Database (gnomAD). The available evidence is insufficient to determine the role of this variant in disease conclusively. Therefore, this variant is classified as a Variant of Uncertain Significance.

This study involves interpretation of variants in research participants for the purpose of population health screening. Participant phenotype was not available at the time of variant classification. Additional details can be found in publication PMID: 35346344, PMCID: PMC8962531

GeneDx
Classification: Uncertain significance. Last evaluated: 2020-07-28. Review status: criteria provided, single submitter. Criteria: GeneDx Variant Classification Process June 2021. Collection method: clinical testing. Allele origin: germline. Affected: yes.
Comment: Not observed in large population cohorts (Lek 2016); In silico analysis supports that this missense variant has a deleterious effect on protein structure/function; Has not been previously published as pathogenic or benign to our knowledge

NM_000179.3(MSH6):c.1735T>G (p.Cys579Gly)

Gene: MSH6 (mutS homolog 6; plus strand). Cytogenetic location: 2p16.3.
Variant type: single nucleotide variant.
Coding change: c.1735T>G on transcript NM_000179.3 (MANE Select); coding-DNA position 1735, T replaced by G.
Protein change: p.Cys579Gly; replaces cysteine 579 with glycine.
Molecular consequence: missense variant.
Genome position (GRCh38, 1-based): chr2:47,799,718, T>G. VCF-style: chr2-47799718-T-G. GRCh37 (hg19) VCF-style: chr2-48026857-T-G.
Other names: c.829T>G, p.Cys277Gly (NM_001281494.2, NM_001281493.2); c.1345T>G, p.Cys449Gly (NM_001281492.2); short protein forms C579G, C277G, C449G.
Identifiers: ClinVar variation 919395 (VCV000919395.17), dbSNP rs1185721664, ClinGen allele CA346748805.